The following is an entry in ClinVar:

ClinVar aggregate classification (germline): Pathogenic. Review status: criteria provided, multiple submitters, no conflicts (2 of 4 stars). 2 submissions from 2 submitters: Pathogenic (2). Last evaluated 2025-07-17.

Conditions:
Hereditary cancer-predisposing syndrome. Also called: Tumor predisposition; Neoplastic Syndromes, Hereditary; Hereditary Cancer Syndrome; Hereditary neoplastic syndrome. Identifiers: Orphanet 140162, MedGen C0027672, MeSH D009386, MONDO:0015356.
Familial cancer of breast. Also called: Hereditary breast cancer; BREAST CANCER, FAMILIAL; hereditary breast carcinoma. Identifiers: Orphanet 227535, MedGen C0346153, MONDO:0016419, OMIM 114480. Disease mechanism: loss of function.

Submissions (2):

Ambry Genetics
Classification: Pathogenic for Hereditary cancer-predisposing syndrome. Last evaluated: 2025-07-17. Review status: criteria provided, single submitter. Criteria: Ambry Variant Classification Scheme 2023. Collection method: clinical testing. Allele origin: germline.
Comment: The c.8051dupA pathogenic mutation, located in coding exon 54 of the ATM gene, results from a duplication of A at nucleotide position 8051, causing a translational frameshift with a predicted alternate stop codon (p.S2685Vfs*3). This variant is considered to be rare based on population cohorts in the Genome Aggregation Database (gnomAD). This alteration is expected to result in loss of function by premature protein truncation or nonsense-mediated mRNA decay. As such, this alteration is interpreted as a disease-causing mutation.

Myriad Genetics, Inc.
Classification: Pathogenic for Familial cancer of breast. Last evaluated: 2024-02-01. Review status: criteria provided, single submitter. Criteria: Myriad Autosomal Dominant, Autosomal Recessive and X-Linked Classification Criteria (2023). Collection method: clinical testing. Allele origin: unknown.
Comment: This variant is considered pathogenic. This variant creates a frameshift predicted to result in premature protein truncation.

NM_000051.4(ATM):c.8051dup (p.Ser2685fs)

Genes: ATM (ATM serine/threonine kinase; plus strand), C11orf65 (chromosome 11 open reading frame 65; minus strand). Cytogenetic location: 11q22.3.
Variant type: Duplication.
Coding change: c.8051dup on transcript NM_000051.4 (MANE Select); coding-DNA position 8051, one base duplicated (A; older notation c.8051dupA).
Protein change: p.Ser2685fs; shifts the reading frame from serine 2685.
Molecular consequence: frameshift variant. On other transcripts: intron variant (2).
Genome position (GRCh38, 1-based): chr11:108,335,009, A duplicated. VCF-style (leftmost placement, unchanged base first): chr11-108335008-C-CA. GRCh37 (hg19) VCF-style: chr11-108205735-C-CA.
Other names: c.8051dupA (NM_000051.3); c.8051dup, p.Ser2685fs (NM_001351834.2); c.641-25938dup (NM_001330368.2); c.*38+211dup (NM_001351110.2); short protein forms S2685fs.
Identifiers: ClinVar variation 827423 (VCV000827423.7), dbSNP rs1591191449, ClinGen allele CA915948312.